The following is an entry in ClinVar:

ClinVar aggregate classification (germline): Conflicting classifications of pathogenicity. Review status: criteria provided, conflicting classifications (1 of 4 stars). 3 submissions from 3 submitters: Uncertain significance (2); Likely benign (1). Last evaluated 2024-06-21.

Conditions:
Nemaline myopathy 2 (NEM2). Also called: Nemaline myopathy 2, autosomal recessive. Identifiers: MedGen C1850569, MONDO:0009725, OMIM 256030.

Allele frequency attached by ClinVar (database versions not stated): TOPMed below 0.00001; gnomAD 0.00001.
gnomAD v4.1: 6 of 1,613,806 alleles (0.00037%); highest among the groups gnomAD compares: Non-Finnish European, 0.00051%; no homozygotes.

Submissions (3):

Labcorp Genetics (formerly Invitae), Labcorp
Classification: Uncertain significance for Nemaline myopathy 2. Last evaluated: 2024-06-21. Review status: criteria provided, single submitter. Criteria: Invitae Variant Classification Sherloc (09022015). Collection method: clinical testing. Allele origin: germline.
Comment: This sequence change replaces methionine, which is neutral and non-polar, with isoleucine, which is neutral and non-polar, at codon 5826 of the NEB protein (p.Met5826Ile). This variant is not present in population databases (gnomAD no frequency). This variant has not been reported in the literature in individuals affected with NEB-related conditions. ClinVar contains an entry for this variant (Variation ID: 668288). Experimental studies and prediction algorithms are not available or were not evaluated, and the functional significance of this variant is currently unknown. In summary, the available evidence is currently insufficient to determine the role of this variant in disease. Therefore, it has been classified as a Variant of Uncertain Significance.

GeneDx
Classification: Likely benign. Last evaluated: 2018-05-10. Review status: criteria provided, single submitter. Criteria: GeneDx Variant Classification (06012015). Collection method: clinical testing. Allele origin: germline. Affected: yes.
Comment: This variant is considered likely benign or benign based on one or more of the following criteria: it is a conservative change, it occurs at a poorly conserved position in the protein, it is predicted to be benign by multiple in silico algorithms, and/or has population frequency not consistent with disease.

Illumina Laboratory Services, Illumina
Classification: Uncertain significance for Nemaline myopathy 2. Last evaluated: 2018-01-13. Review status: criteria provided, single submitter. Criteria: ICSL Variant Classification Criteria 13 December 2019. Collection method: clinical testing. Allele origin: germline.

NM_001164508.2(NEB):c.17478G>A (p.Met5826Ile)

Gene: NEB (nebulin; minus strand). Cytogenetic location: 2q23.3.
Variant type: single nucleotide variant.
Coding change: c.17478G>A on transcript NM_001164508.2 (MANE Select); coding-DNA position 17478, G replaced by A.
Protein change: p.Met5826Ile; replaces methionine 5826 with isoleucine.
Molecular consequence: missense variant.
Genome position (GRCh38, 1-based): chr2:151,569,325, C>T on the plus strand (G>A on the coding strand, the complement: NEB is on the minus strand). VCF-style: chr2-151569325-C-T. GRCh37 (hg19) VCF-style: chr2-152425839-C-T.
Other names: c.17478G>A, p.Met5826Ile (NM_001164507.2, NM_001271208.2); c.12375G>A, p.Met4125Ile (NM_004543.5); short protein forms M4125I, M5826I.
Identifiers: ClinVar variation 668288 (VCV000668288.8), dbSNP rs1298196178, ClinGen allele CA348806012.